The following is an entry in ClinVar:

ClinVar aggregate classification (germline): Uncertain significance. Review status: criteria provided, multiple submitters, no conflicts (2 of 4 stars). 2 submissions from 2 submitters: Uncertain significance (2). Last evaluated 2024-06-13.

Conditions:
Meckel-Gruber syndrome. Also called: DYSENCEPHALIA SPLANCHNOCYSTICA; GRUBER SYNDROME; Dysencephalia splachnocystica. Identifiers: Orphanet 564, MedGen C0265215, MONDO:0018921.
Joubert syndrome. Also called: CEREBELLOPARENCHYMAL DISORDER IV; JOUBERT-BOLTSHAUSER SYNDROME; Familial aplasia of the vermis. Identifiers: Orphanet 475, MedGen C5979921, MONDO:0018772.
COACH syndrome 1. Identifiers: Orphanet 1454, MedGen C5435651, MONDO:0800103, OMIM 216360, MONDO:0008996.
Nephronophthisis 11 (NPHP11). Identifiers: Orphanet 84081, MedGen C3150796, MONDO:0013302, OMIM 613550.
Bardet-Biedl syndrome 14 (BBS14). Identifiers: Orphanet 110, MedGen C2673874, MONDO:0014442, OMIM 615991.
Joubert syndrome 6 (JBTS6). Identifiers: Orphanet 475, MedGen C1853153, MONDO:0012539, OMIM 610688.
RHYNS syndrome. Also called: RETINITIS PIGMENTOSA SYNDROME; RETINITIS PIGMENTOSA, HYPOPITUITARISM, NEPHRONOPHTHISIS, AND MILD SKELETAL DYSPLASIA. Identifiers: Orphanet 140976, MedGen C1865794, MONDO:0011202, OMIM 602152.
Meckel syndrome, type 3 (MKS3). Also called: MECKEL-GRUBER SYNDROME, TYPE 3. Identifiers: Orphanet 564, MedGen C1846357, MONDO:0011821, OMIM 607361.

Allele frequency attached by ClinVar (database versions not stated): gnomAD exomes below 0.00001; ExAC 0.00001.
gnomAD v4.1: 6 of 1,577,876 alleles (0.00038%); highest among the groups gnomAD compares: East Asian, 0.0023%; no homozygotes.

Submissions (2):

Fulgent Genetics
Classification: Uncertain significance for COACH syndrome 1; RHYNS syndrome; Meckel syndrome, type 3; Joubert syndrome 6; Nephronophthisis 11; Bardet-Biedl syndrome 14. Last evaluated: 2024-06-13. Review status: criteria provided, single submitter. Criteria: ACMG Guidelines, 2015. Collection method: clinical testing. Allele origin: germline.

Labcorp Genetics (formerly Invitae), Labcorp
Classification: Uncertain significance for Joubert syndrome; Meckel-Gruber syndrome. Last evaluated: 2022-06-20. Review status: criteria provided, single submitter. Criteria: Invitae Variant Classification Sherloc (09022015). Collection method: clinical testing. Allele origin: germline.
Comment: This sequence change replaces isoleucine, which is neutral and non-polar, with valine, which is neutral and non-polar, at codon 95 of the TMEM67 protein (p.Ile95Val). The frequency data for this variant in the population databases is considered unreliable, as metrics indicate poor data quality at this position in the gnomAD database. This variant has not been reported in the literature in individuals affected with TMEM67-related conditions. Advanced modeling of protein sequence and biophysical properties (such as structural, functional, and spatial information, amino acid conservation, physicochemical variation, residue mobility, and thermodynamic stability) performed at Invitae indicates that this missense variant is not expected to disrupt TMEM67 protein function. In summary, the available evidence is currently insufficient to determine the role of this variant in disease. Therefore, it has been classified as a Variant of Uncertain Significance.

NM_153704.6(TMEM67):c.283A>G (p.Ile95Val)

Gene: TMEM67 (transmembrane protein 67; plus strand). Cytogenetic location: 8q22.1.
Variant type: single nucleotide variant.
Coding change: c.283A>G on transcript NM_153704.6 (MANE Select); coding-DNA position 283, A replaced by G.
Protein change: p.Ile95Val; replaces isoleucine 95 with valine.
Molecular consequence: missense variant. On other transcripts: non-coding transcript variant (1), intron variant (1).
Genome position (GRCh38, 1-based): chr8:93,755,837, A>G. VCF-style: chr8-93755837-A-G. GRCh37 (hg19) VCF-style: chr8-94768065-A-G.
Other names: c.-62+700A>G (NM_001142301.1); short protein forms I95V.
Identifiers: ClinVar variation 1486364 (VCV001486364.5), dbSNP rs758638902, ClinGen allele CA4807571.